The following is an entry in ClinVar:

NM_018896.5(CACNA1G):c.6309C>T (p.Leu2103=)

Gene: CACNA1G (calcium voltage-gated channel subunit alpha1 G; plus strand). Cytogenetic location: 17q21.33.
Variant type: single nucleotide variant.
Coding change: c.6309C>T on transcript NM_018896.5 (MANE Select); coding-DNA position 6309, C replaced by T.
Protein change: p.Leu2103=; no amino-acid change (leucine 2103 retained).
Molecular consequence: synonymous variant. On other transcripts: non-coding transcript variant (5).
Genome position (GRCh38, 1-based): chr17:50,624,439, C>T. VCF-style: chr17-50624439-C-T. GRCh37 (hg19) VCF-style: chr17-48701800-C-T.
Other names: p.Leu2103=; c.6309C>T (NM_018896.4); c.6120C>T, p.Leu2040= (NM_001256324.2); c.6051C>T, p.Leu2017= (NM_001256325.2); c.6039C>T, p.Leu2013= (NM_001256326.2); c.6009C>T, p.Leu2003= (NM_001256327.2); c.5955C>T, p.Leu1985= (NM_001256328.2); c.5928C>T, p.Leu1976= (NM_001256329.2, NM_198376.3, NM_198387.3); and 17 more.
Identifiers: ClinVar variation 1098727 (VCV001098727.14), dbSNP rs2301835, ClinGen allele CA8653631.

ClinVar aggregate classification (germline): Benign. Review status: criteria provided, multiple submitters, no conflicts (2 of 4 stars). 6 submissions from 6 submitters: Benign (5). 1 of the submissions does not count toward it. Last evaluated 2026-02-02.

Conditions:
Spinocerebellar ataxia 42, early-onset, severe, with neurodevelopmental deficits. Identifiers: MedGen C4748120, MONDO:0060758, OMIM 618087.
CACNA1G-related disorder. Also called: CACNA1G-related disorders; CACNA1G-related condition.

Allele frequency attached by ClinVar (database versions not stated): TOPMed 0.10392; 1000 Genomes Project 0.11581; gnomAD exomes 0.08524; 1000 Genomes Project 30x 0.11430; gnomAD 0.10241 and 0.10226; ExAC 0.13738; ESP Exome Variant Server 0.09805.
gnomAD v4.1: 130,741 of 1,599,224 alleles (8.2%); highest among the groups gnomAD compares: African/African-American, 16%; 5,898 homozygotes.

Submissions (6):

Labcorp Genetics (formerly Invitae), Labcorp
Classification: Benign. Last evaluated: 2026-02-02. Review status: criteria provided, single submitter. Criteria: Invitae Variant Classification Sherloc (09022015). Collection method: clinical testing. Allele origin: germline.

Mayo Clinic Laboratories, Mayo Clinic
Classification: Benign. Last evaluated: 2022-03-24. Review status: criteria provided, single submitter. Criteria: ACMG Guidelines, 2015. Collection method: clinical testing. Allele origin: germline. Observed: 84 variant alleles.

Genome-Nilou Lab
Classification: Benign for Spinocerebellar ataxia 42, early-onset, severe, with neurodevelopmental deficits. Last evaluated: 2021-05-18. Review status: criteria provided, single submitter. Criteria: ACMG Guidelines, 2015. Collection method: clinical testing. Allele origin: germline. Affected: no.

GeneDx
Classification: Benign. Last evaluated: 2021-03-08. Review status: criteria provided, single submitter. Criteria: GeneDx Variant Classification Process June 2021. Collection method: clinical testing. Allele origin: germline. Affected: yes.

Breakthrough Genomics
Classification: Benign. Review status: criteria provided, single submitter. Criteria: ACMG Guidelines, 2015. Collection method: not provided. Allele origin: germline. Inheritance: Autosomal dominant inheritance. Affected: yes.

PreventionGenetics, part of Exact Sciences
Classification: Benign for CACNA1G-related condition. Last evaluated: 2019-09-10. Review status: no assertion criteria provided. Collection method: clinical testing. Allele origin: germline. Not counted in ClinVar's aggregate classification.
Comment: This variant is classified as benign based on ACMG/AMP sequence variant interpretation guidelines (Richards et al. 2015 PMID: 25741868, with internal and published modifications).